The following is an entry in ClinVar:

NM_001370.2(DNAH6):c.163C>T (p.His55Tyr)

Gene: DNAH6 (dynein axonemal heavy chain 6; plus strand). Cytogenetic location: 2p11.2.
Variant type: single nucleotide variant.
Coding change: c.163C>T on transcript NM_001370.2 (MANE Select); coding-DNA position 163, C replaced by T.
Protein change: p.His55Tyr; replaces histidine 55 with tyrosine.
Molecular consequence: missense variant.
Genome position (GRCh38, 1-based): chr2:84,517,989, C>T. VCF-style: chr2-84517989-C-T. GRCh37 (hg19) VCF-style: chr2-84745113-C-T.
Other names: NC_000002.11:g.84745113C>T; short protein forms H55Y.
Identifiers: ClinVar variation 782980 (VCV000782980.32), dbSNP rs112166113, ClinGen allele CA1736471.

ClinVar aggregate classification (germline): Benign. Review status: criteria provided, multiple submitters, no conflicts (2 of 4 stars). 4 submissions from 4 submitters: Benign (4). Last evaluated 2025-05-01.

Conditions:
DNAH6-related disorder. Also called: DNAH6-related condition.

Allele frequency attached by ClinVar (database versions not stated): 1000 Genomes Project 0.00419; 1000 Genomes Project 30x 0.00437; TOPMed 0.00696; ESP Exome Variant Server 0.00723.

Submissions (6):

CeGaT Center for Human Genetics Tuebingen
Classification: Benign. Last evaluated: 2025-05-01. Review status: criteria provided, single submitter. Criteria: CeGaT Center For Human Genetics Tuebingen Variant Classification Criteria Version 2. Collection method: clinical testing. Allele origin: germline. Affected: yes. Observed: 3 variant alleles.
Comment: DNAH6: BP4, BS1, BS2

PreventionGenetics, part of Exact Sciences
Classification: Benign for DNAH6-related condition. Last evaluated: 2024-12-27. Review status: criteria provided, single submitter. Criteria: ACMG Guidelines, 2015. Collection method: clinical testing. Allele origin: germline.
Comment: This variant is classified as benign based on ACMG/AMP sequence variant interpretation guidelines (Richards et al. 2015 PMID: 25741868, with internal and published modifications).

Labcorp Genetics (formerly Invitae), Labcorp
Classification: Benign. Last evaluated: 2019-12-31. Review status: criteria provided, single submitter. Criteria: Invitae Variant Classification Sherloc (09022015). Collection method: clinical testing. Allele origin: germline.

Breakthrough Genomics
Classification: Benign. Review status: criteria provided, single submitter. Criteria: ACMG Guidelines, 2015. Collection method: not provided. Allele origin: germline. Inheritance: Unknown mechanism. Affected: yes.

Dr. Peter K. Rogan Lab, Western University
No classification provided (evidence only). Condition: Clear cell carcinoma of kidney. Review status: no classification provided. Collection method: in vitro. Allele origin: not applicable. Functional consequence: retained intron. Not counted in ClinVar's aggregate classification.

Dr. Peter K. Rogan Lab, Western University
No classification provided (evidence only). Condition: Malignant tumor of esophagus. Review status: no classification provided. Collection method: in vitro. Allele origin: not applicable. Functional consequence: retained intron. Not counted in ClinVar's aggregate classification.